The following is an entry in ClinVar:

NM_004006.3(DMD):c.3013G>A (p.Glu1005Lys)

Gene: DMD (dystrophin; minus strand). Cytogenetic location: Xp21.1.
Variant type: single nucleotide variant.
Coding change: c.3013G>A on transcript NM_004006.3 (MANE Select); coding-DNA position 3013, G replaced by A.
Protein change: p.Glu1005Lys; replaces glutamic acid 1005 with lysine.
Molecular consequence: missense variant.
Genome position (GRCh38, 1-based): chrX:32,468,647, C>T on the plus strand (G>A on the coding strand, the complement: DMD is on the minus strand). VCF-style: chrX-32468647-C-T. GRCh37 (hg19) VCF-style: chrX-32486764-C-T.
Other names: c.2989G>A, p.Glu997Lys (NM_000109.4); c.3001G>A, p.Glu1001Lys (NM_004009.3); c.2644G>A, p.Glu882Lys (NM_004010.3); short protein forms E1001K, E1005K, E997K, E882K.
Identifiers: ClinVar variation 3634846 (VCV003634846.2).

ClinVar aggregate classification (germline): Uncertain significance (1 of 4 stars; one submission).

Conditions:
Duchenne muscular dystrophy (DMD). Also called: MUSCULAR DYSTROPHY, PSEUDOHYPERTROPHIC PROGRESSIVE, DUCHENNE TYPE; Duchenne Muscular Dystrophy (DMD). Identifiers: Orphanet 98896, MedGen C0013264, MONDO:0010679, OMIM 310200.

Submission:

Labcorp Genetics (formerly Invitae), Labcorp
Classification: Uncertain significance for Duchenne muscular dystrophy. Last evaluated: 2025-01-11. Review status: criteria provided, single submitter. Criteria: Invitae Variant Classification Sherloc (09022015). Collection method: clinical testing. Allele origin: germline.
Comment: This sequence change replaces glutamic acid, which is acidic and polar, with lysine, which is basic and polar, at codon 1005 of the DMD protein (p.Glu1005Lys). This variant is not present in population databases (gnomAD no frequency). This variant has not been reported in the literature in individuals affected with DMD-related conditions. Invitae Evidence Modeling of protein sequence and biophysical properties (such as structural, functional, and spatial information, amino acid conservation, physicochemical variation, residue mobility, and thermodynamic stability) indicates that this missense variant is not expected to disrupt DMD protein function with a negative predictive value of 95%. In summary, the available evidence is currently insufficient to determine the role of this variant in disease. Therefore, it has been classified as a Variant of Uncertain Significance.